The following is an entry in ClinVar:

ClinVar aggregate classification (germline): Likely benign. Review status: criteria provided, multiple submitters, no conflicts (2 of 4 stars). 4 submissions from 4 submitters: Likely benign (4). Last evaluated 2025-12-22.

Conditions:
Hereditary cancer-predisposing syndrome. Also called: Hereditary Cancer Syndrome; Neoplastic Syndromes, Hereditary; Tumor predisposition; Hereditary neoplastic syndrome. Identifiers: Orphanet 140162, MedGen C0027672, MeSH D009386, MONDO:0015356.
Hereditary breast ovarian cancer syndrome. Also called: Hereditary breast and ovarian cancer syndrome; BRCA1- and BRCA2-Associated Hereditary Breast and Ovarian Cancer; Hereditary breast and/or ovarian cancer syndrome; Hereditary breast and ovarian cancer syndrome (HBOC); Breast and ovarian cancer; Hereditary breast and ovarian cancer. Identifiers: Orphanet 145, MedGen C0677776, MeSH D061325, MONDO:0003582. Disease mechanism: loss of function.

Submissions (4):

Labcorp Genetics (formerly Invitae), Labcorp
Classification: Likely benign for Hereditary breast ovarian cancer syndrome. Last evaluated: 2025-12-22. Review status: criteria provided, single submitter. Criteria: Invitae Variant Classification Sherloc (09022015). Collection method: clinical testing. Allele origin: germline.

Women's Health and Genetics/Laboratory Corporation of America, LabCorp
Classification: Likely benign. Last evaluated: 2023-11-14. Review status: criteria provided, single submitter. Criteria: LabCorp Variant Classification Summary - May 2015. Collection method: clinical testing. Allele origin: germline.

Ambry Genetics
Classification: Likely benign for Hereditary cancer-predisposing syndrome. Last evaluated: 2018-07-26. Review status: criteria provided, single submitter. Criteria: Ambry Variant Classification Scheme 2023. Collection method: clinical testing. Allele origin: germline.

GeneDx
Classification: Likely benign. Last evaluated: 2017-11-30. Review status: criteria provided, single submitter. Criteria: GeneDx Variant Classification (06012015). Collection method: clinical testing. Allele origin: germline. Affected: yes.
Comment: This variant is considered likely benign or benign based on one or more of the following criteria: it is a conservative change, it occurs at a poorly conserved position in the protein, it is predicted to be benign by multiple in silico algorithms, and/or has population frequency not consistent with disease.

NM_007294.4(BRCA1):c.1197T>C (p.His399=)

Gene: BRCA1 (BRCA1 DNA repair associated; minus strand). Cytogenetic location: 17q21.31.
Variant type: single nucleotide variant.
Coding change: c.1197T>C on transcript NM_007294.4 (MANE Select); coding-DNA position 1197, T replaced by C.
Protein change: p.His399=; no amino-acid change (histidine 399 retained).
Molecular consequence: synonymous variant. On other transcripts: intron variant (137).
Genome position (GRCh38, 1-based): chr17:43,094,334, A>G on the plus strand (T>C on the coding strand, the complement: BRCA1 is on the minus strand). VCF-style: chr17-43094334-A-G. GRCh37 (hg19) VCF-style: chr17-41246351-A-G.
Other names: c.577+410T>C (NM_001408483.1, NM_001408481.1, NM_001408480.1 and 9 more transcripts); c.664+410T>C (NM_001408442.1, NM_001408426.1, NM_001408436.1 and 12 more transcripts); c.787+410T>C (NM_001407982.1, NM_001407970.1, NM_001407980.1 and 19 more transcripts); c.1053T>C, p.His351= (NM_001407842.1, NM_001407843.1, NM_001407844.1 and 20 more transcripts); c.1197T>C, p.His399= (NM_001407858.1, NM_001407859.1, NM_001407854.1 and 30 more transcripts); c.1194T>C, p.His398= (NM_001407860.1, NM_001407861.1, NM_001407587.1 and 22 more transcripts); c.987T>C, p.His329= (NM_001407882.1, NM_001407884.1, NM_001407885.1 and 13 more transcripts); c.996T>C, p.His332= (NM_001407862.1); and 40 more.
Identifiers: ClinVar variation 516081 (VCV000516081.18), dbSNP rs1555592250, ClinGen allele CA500233587.